The following is an entry in ClinVar:

NM_000059.4(BRCA2):c.8632+6A>G

Gene: BRCA2 (BRCA2 DNA repair associated; plus strand). Cytogenetic location: 13q13.1.
Variant type: single nucleotide variant.
Coding change: c.8632+6A>G on transcript NM_000059.4 (MANE Select); 6 bases into the intron after coding-DNA position 8632, A replaced by G.
Molecular consequence: intron variant.
Genome position (GRCh38, 1-based): chr13:32,371,106, A>G. VCF-style: chr13-32371106-A-G. GRCh37 (hg19) VCF-style: chr13-32945243-A-G.
Other names: IVS20+6A>G.
Identifiers: ClinVar variation 52641 (VCV000052641.21), dbSNP rs81002894, ClinGen allele CA025744.

ClinVar aggregate classification (germline): Conflicting classifications of pathogenicity. Review status: criteria provided, conflicting classifications (1 of 4 stars). 5 submissions from 5 submitters: Uncertain significance (3); Likely benign (1). 1 of the submissions does not count toward it. Last evaluated 2025-06-25.

Conditions:
Hereditary breast ovarian cancer syndrome. Also called: Hereditary breast and ovarian cancer syndrome; Hereditary breast and ovarian cancer; Hereditary breast and ovarian cancer syndrome (HBOC); Breast and ovarian cancer; Hereditary breast and/or ovarian cancer syndrome; BRCA1- and BRCA2-Associated Hereditary Breast and Ovarian Cancer. Identifiers: Orphanet 145, MedGen C0677776, MeSH D061325, MONDO:0003582. Disease mechanism: loss of function.
Hereditary cancer-predisposing syndrome. Also called: Neoplastic Syndromes, Hereditary; Tumor predisposition; Hereditary neoplastic syndrome; Hereditary Cancer Syndrome. Identifiers: Orphanet 140162, MedGen C0027672, MeSH D009386, MONDO:0015356.
Breast-ovarian cancer, familial, susceptibility to, 2 (BROVCA2). Also called: BRCA2 Hereditary Breast and Ovarian Cancer. Identifiers: Orphanet 145, MedGen C2675520, MONDO:0012933, OMIM 612555. Disease mechanism: loss of function.

Allele frequency attached by ClinVar (database versions not stated): gnomAD exomes below 0.00001.
gnomAD v4.1: 1 of 1,613,100 alleles (0.000062%); highest among the groups gnomAD compares: Admixed American, 0.0017%; no homozygotes.

Submissions (5):

Labcorp Genetics (formerly Invitae), Labcorp
Classification: Uncertain significance for Hereditary breast ovarian cancer syndrome. Last evaluated: 2025-06-25. Review status: criteria provided, single submitter. Criteria: Invitae Variant Classification Sherloc (09022015). Collection method: clinical testing. Allele origin: germline.
Comment: This sequence change falls in intron 20 of the BRCA2 gene. It does not directly change the encoded amino acid sequence of the BRCA2 protein. It affects a nucleotide within the consensus splice site. This variant is not present in population databases (gnomAD no frequency). This variant has not been reported in the literature in individuals affected with BRCA2-related conditions. ClinVar contains an entry for this variant (Variation ID: 52641). Variants that disrupt the consensus splice site are a relatively common cause of aberrant splicing (PMID: 17576681, 9536098). Algorithms developed to predict the effect of sequence changes on RNA splicing suggest that this variant is not likely to affect RNA splicing. In summary, the available evidence is currently insufficient to determine the role of this variant in disease. Therefore, it has been classified as a Variant of Uncertain Significance.

Color Diagnostics, LLC DBA Color Health
Classification: Uncertain significance for Hereditary cancer-predisposing syndrome. Last evaluated: 2024-07-30. Review status: criteria provided, single submitter. Criteria: ACMG Guidelines, 2015. Collection method: clinical testing. Allele origin: germline.
Comment: This variant causes an A to G nucleotide substitution at the +6 position of intron 20 of the BRCA2 gene. To our knowledge, RNA functional studies have not been reported for this variant. This variant has not been reported in individuals affected with hereditary cancer in the literature. This variant has not been identified in the general population by the Genome Aggregation Database (gnomAD). The available evidence is insufficient to determine the role of this variant in disease conclusively. Therefore, this variant is classified as a Variant of Uncertain Significance.

Quest Diagnostics Nichols Institute San Juan Capistrano
Classification: Uncertain significance. Last evaluated: 2020-03-17. Review status: criteria provided, single submitter. Criteria: Quest Diagnostics criteria. Collection method: clinical testing. Allele origin: unknown.

GeneDx
Classification: Likely benign. Last evaluated: 2018-08-29. Review status: criteria provided, single submitter. Criteria: GeneDx Variant Classification Process June 2021. Collection method: clinical testing. Allele origin: germline. Affected: yes.

Breast Cancer Information Core (BIC) (BRCA2)
Classification: Uncertain significance for Breast-ovarian cancer, familial 2. Last evaluated: 2003-12-23. Review status: no assertion criteria provided. Collection method: clinical testing. Allele origin: germline. Affected: yes. Observed: 1 variant allele. Not counted in ClinVar's aggregate classification.

Literature cited by the submitters: PubMed 17576681 (cited by Labcorp Genetics (formerly Invitae), Labcorp); PubMed 9536098 (cited by Labcorp Genetics (formerly Invitae), Labcorp).